The following is an entry in ClinVar:

NM_052844.4(DYNC2I2):c.1564C>G (p.Arg522Gly)

Gene: DYNC2I2 (dynein 2 intermediate chain 2; minus strand). Cytogenetic location: 9q34.11.
Variant type: single nucleotide variant.
Coding change: c.1564C>G on transcript NM_052844.4 (MANE Select); coding-DNA position 1564, C replaced by G.
Protein change: p.Arg522Gly; replaces arginine 522 with glycine.
Molecular consequence: missense variant.
Genome position (GRCh38, 1-based): chr9:128,633,791, G>C on the plus strand (C>G on the coding strand, the complement: DYNC2I2 is on the minus strand). VCF-style: chr9-128633791-G-C. GRCh37 (hg19) VCF-style: chr9-131396070-G-C.
Other names: short protein forms R522G.
Identifiers: ClinVar variation 1945568 (VCV001945568.12), dbSNP rs368864898, ClinGen allele CA375105822.
Genomic context (GRCh38, chr9:128,633,791, plus strand): 5'-CTCCCGGGACCCCTCAGGCCGCCACCTCTGCTGCCAGGCAGTCCAGGTCCTCAGCTTCCC[G>C]GGGCCCTTGTTCCGTGAACTCTGTGCTCAGCTGCCACACCTTCACTGTGCCCTGGGCATC-3'
Protein context (NP_443076.2, residues 512-532): LSTEFTEQGP[Arg522Gly]EAEDLDCLAA

ClinVar aggregate classification (germline): Uncertain significance. Review status: criteria provided, multiple submitters, no conflicts (2 of 4 stars). 2 submissions from 2 submitters: Uncertain significance (2). Last evaluated 2025-03-01.

Conditions:
Short-rib thoracic dysplasia 11 with or without polydactyly (SRTD11). Also called: SHORT-RIB THORACIC DYSPLASIA 11 WITHOUT POLYDACTYLY. Identifiers: Orphanet 474, Orphanet 93271, MedGen C3810200, MONDO:0014287, OMIM 615633.

Submissions (2):

CeGaT Center for Human Genetics Tuebingen
Classification: Uncertain significance. Last evaluated: 2025-03-01. Review status: criteria provided, single submitter. Criteria: CeGaT Center For Human Genetics Tuebingen Variant Classification Criteria Version 2. Collection method: clinical testing. Allele origin: germline. Affected: yes. Observed: 1 variant allele.
Comment: DYNC2I2: PM2, BP4

Labcorp Genetics (formerly Invitae), Labcorp
Classification: Uncertain significance for Short-rib thoracic dysplasia 11 with or without polydactyly. Last evaluated: 2021-12-31. Review status: criteria provided, single submitter. Criteria: Invitae Variant Classification Sherloc (09022015). Collection method: clinical testing. Allele origin: germline.
Comment: In summary, the available evidence is currently insufficient to determine the role of this variant in disease. Therefore, it has been classified as a Variant of Uncertain Significance. Algorithms developed to predict the effect of missense changes on protein structure and function are either unavailable or do not agree on the potential impact of this missense change (SIFT: "Deleterious"; PolyPhen-2: "Benign"; Align-GVGD: "Class C65"). This variant has not been reported in the literature in individuals affected with WDR34-related conditions. This variant is not present in population databases (gnomAD no frequency). This sequence change replaces arginine, which is basic and polar, with glycine, which is neutral and non-polar, at codon 522 of the WDR34 protein (p.Arg522Gly).